The following is an entry in ClinVar:

ClinVar aggregate classification (germline): Likely benign (1 of 4 stars; one submission).

Allele frequency attached by ClinVar (database versions not stated): 1000 Genomes Project 0.00120; ESP Exome Variant Server 0.00123; gnomAD exomes 0.00123; 1000 Genomes Project 30x 0.00125; TOPMed 0.00175; gnomAD 0.00223; ExAC 0.00291.
gnomAD v4.1: 2,150 of 1,608,980 alleles (0.13%); highest among the groups gnomAD compares: African/African-American, 0.28%; 9 homozygotes.

Submission:

CeGaT Center for Human Genetics Tuebingen
Classification: Likely benign. Last evaluated: 2022-08-01. Review status: criteria provided, single submitter. Criteria: CeGaT Center For Human Genetics Tuebingen Variant Classification Criteria Version 2. Collection method: clinical testing. Allele origin: germline. Affected: yes. Observed: 2 variant alleles.
Comment: WDR47: BP4, BP7

NM_001142551.2(WDR47):c.2406A>G (p.Ala802=)

Gene: WDR47 (WD repeat domain 47; minus strand). Cytogenetic location: 1p13.3.
Variant type: single nucleotide variant.
Coding change: c.2406A>G on transcript NM_001142551.2 (MANE Select); coding-DNA position 2406, A replaced by G.
Protein change: p.Ala802=; no amino-acid change (alanine 802 retained).
Molecular consequence: synonymous variant.
Genome position (GRCh38, 1-based): chr1:108,974,747, T>C on the plus strand (A>G on the coding strand, the complement: WDR47 is on the minus strand). VCF-style: chr1-108974747-T-C. GRCh37 (hg19) VCF-style: chr1-109517369-T-C.
Other names: c.2430A>G, p.Ala810= (NM_001142550.2); c.2409A>G, p.Ala803= (NM_014969.6).
Identifiers: ClinVar variation 2638966 (VCV002638966.24), dbSNP rs150602693, ClinGen allele CA983786.